The following is an entry in ClinVar:

ClinVar aggregate classification (germline): Likely pathogenic (1 of 4 stars; one submission).

Conditions:
Hypertrophic cardiomyopathy 2. Also called: TNNT2-Related Familial Hypertrophic Cardiomyopathy. Identifiers: MedGen C1861864, MONDO:0007266, OMIM 115195.
Dilated cardiomyopathy 1D. Identifiers: Orphanet 154, Orphanet 54260, MedGen C1832243, MONDO:0011095, OMIM 601494.
Cardiomyopathy, familial restrictive, 3. Identifiers: Orphanet 75249, MedGen C2676271, MONDO:0012900, OMIM 612422.

Allele frequency attached by ClinVar (database versions not stated): gnomAD exomes below 0.00001 and 0.00001; ExAC 0.00002.
gnomAD v4.1: 2 of 1,614,032 alleles (0.00012%); highest among the groups gnomAD compares: South Asian, 0.0022%; no homozygotes.

Submission:

Labcorp Genetics (formerly Invitae), Labcorp
Classification: Likely pathogenic for Cardiomyopathy, familial restrictive, 3; Hypertrophic cardiomyopathy 2; Dilated cardiomyopathy 1D. Last evaluated: 2023-05-08. Review status: criteria provided, single submitter. Criteria: Invitae Variant Classification Sherloc (09022015). Collection method: clinical testing. Allele origin: germline.
Comment: This sequence change replaces isoleucine, which is neutral and non-polar, with phenylalanine, which is neutral and non-polar, at codon 79 of the TNNT2 protein (p.Ile79Phe). ClinVar contains an entry for this variant (Variation ID: 652329). This variant has not been reported in the literature in individuals affected with TNNT2-related conditions. This variant is present in population databases (rs746297911, gnomAD 0.007%). In summary, the currently available evidence indicates that the variant is pathogenic, but additional data are needed to prove that conclusively. Therefore, this variant has been classified as Likely Pathogenic. This variant disrupts the p.Ile79 amino acid residue in TNNT2. Other variant(s) that disrupt this residue have been determined to be pathogenic (PMID: 8205619, 18651846, 26914223, 27532257). This suggests that this residue is clinically significant, and that variants that disrupt this residue are likely to be disease-causing. Advanced modeling of protein sequence and biophysical properties (such as structural, functional, and spatial information, amino acid conservation, physicochemical variation, residue mobility, and thermodynamic stability) performed at Invitae indicates that this missense variant is expected to disrupt TNNT2 protein function.

Literature cited by the submitters: PubMed 8205619; PubMed 18651846; PubMed 26914223; PubMed 27532257.

NM_001276345.2(TNNT2):c.265A>T (p.Ile89Phe)

Gene: TNNT2 (troponin T2, cardiac type; minus strand). Cytogenetic location: 1q32.1.
Variant type: single nucleotide variant.
Coding change: c.265A>T on transcript NM_001276345.2 (MANE Select); coding-DNA position 265, A replaced by T.
Protein change: p.Ile89Phe; replaces isoleucine 89 with phenylalanine.
Molecular consequence: missense variant.
Genome position (GRCh38, 1-based): chr1:201,365,639, T>A on the plus strand (A>T on the coding strand, the complement: TNNT2 is on the minus strand). VCF-style: chr1-201365639-T-A. GRCh37 (hg19) VCF-style: chr1-201334767-T-A.
Other names: c.265A>T, p.Ile89Phe (NM_000364.4); c.235A>T, p.Ile79Phe (NM_001001430.3, NM_001001431.3, NM_001276347.2); c.220A>T, p.Ile74Phe (NM_001001432.3); c.262A>T, p.Ile88Phe (NM_001276346.2); short protein forms I88F, I89F, I79F, I74F.
Identifiers: ClinVar variation 652329 (VCV000652329.8), dbSNP rs746297911, ClinGen allele CA088960.